The following is an entry in ClinVar:

NM_001101362.3(KBTBD13):c.1089C>T (p.Asp363=)

Gene: KBTBD13 (kelch repeat and BTB domain containing 13; plus strand). Cytogenetic location: 15q22.31.
Variant type: single nucleotide variant.
Coding change: c.1089C>T on transcript NM_001101362.3 (MANE Select); coding-DNA position 1089, C replaced by T.
Protein change: p.Asp363=; no amino-acid change (aspartic acid 363 retained).
Molecular consequence: synonymous variant.
Genome position (GRCh38, 1-based): chr15:65,077,904, C>T. VCF-style: chr15-65077904-C-T. GRCh37 (hg19) VCF-style: chr15-65370242-C-T.
Identifiers: ClinVar variation 3649483 (VCV003649483.2).
Genomic context (GRCh38, chr15:65,077,904, plus strand): 5'-CCACTGCATGGTGGCCCACCGCGACAGCCTCTATGTGGTGCGCAACGGACCTTCCGACGA[C>T]TTCCTGCACTGCGCCATCGACTGTCTCAACCTGGCCACGGGCCAGTGGACGGCGCTGCCC-3'
Protein context (NP_001094832.1, residues 353-373): LYVVRNGPSD[Asp363=]FLHCAIDCLN

ClinVar aggregate classification (germline): Uncertain significance (1 of 4 stars; one submission).

Conditions:
Nemaline myopathy 6 (NEM6). Also called: Nemaline myopathy 6, autosomal dominant. Identifiers: Orphanet 171439, MedGen C1836472, MONDO:0012237, OMIM 609273.

Submission:

Labcorp Genetics (formerly Invitae), Labcorp
Classification: Uncertain significance for Nemaline myopathy 6. Last evaluated: 2024-04-10. Review status: criteria provided, single submitter. Criteria: Invitae Variant Classification Sherloc (09022015). Collection method: clinical testing. Allele origin: germline.
Comment: This sequence change affects codon 363 of the KBTBD13 mRNA. It is a 'silent' change, meaning that it does not change the encoded amino acid sequence of the KBTBD13 protein. This variant is present in population databases (no rsID available, gnomAD 0.007%). This variant has not been reported in the literature in individuals affected with KBTBD13-related conditions. In summary, the available evidence is currently insufficient to determine the role of this variant in disease. Therefore, it has been classified as a Variant of Uncertain Significance.